The following is an entry in ClinVar:

NM_005546.4(ITK):c.139-2A>G

Gene: ITK (IL2 inducible T cell kinase; plus strand). Cytogenetic location: 5q33.3.
Variant type: single nucleotide variant.
Coding change: c.139-2A>G on transcript NM_005546.4 (MANE Select); the canonical splice acceptor site of the intron before coding-DNA position 139, A replaced by G.
Molecular consequence: splice acceptor variant.
Genome position (GRCh38, 1-based): chr5:157,208,887, A>G. VCF-style: chr5-157208887-A-G. GRCh37 (hg19) VCF-style: chr5-156635898-A-G.
Identifiers: ClinVar variation 2860481 (VCV002860481.3), dbSNP rs2480551478, ClinGen allele CA361947169.

ClinVar aggregate classification (germline): Likely pathogenic (1 of 4 stars; one submission).

Conditions:
Lymphoproliferative syndrome 1 (LPFS1). Identifiers: Orphanet 238505, Orphanet 538963, MedGen C3552634, MONDO:0013081, OMIM 613011.

Submission:

Labcorp Genetics (formerly Invitae), Labcorp
Classification: Likely pathogenic for Lymphoproliferative syndrome 1. Last evaluated: 2023-10-13. Review status: criteria provided, single submitter. Criteria: Invitae Variant Classification Sherloc (09022015). Collection method: clinical testing. Allele origin: germline.
Comment: This sequence change affects an acceptor splice site in intron 1 of the ITK gene. It is expected to disrupt RNA splicing. Variants that disrupt the donor or acceptor splice site typically lead to a loss of protein function (PMID: 16199547), and loss-of-function variants in ITK are known to be pathogenic (PMID: 16860760, 22289921, 26056787). This variant is not present in population databases (gnomAD no frequency). This variant has not been reported in the literature in individuals affected with ITK-related conditions. Algorithms developed to predict the effect of sequence changes on RNA splicing suggest that this variant may disrupt the consensus splice site. In summary, the currently available evidence indicates that the variant is pathogenic, but additional data are needed to prove that conclusively. Therefore, this variant has been classified as Likely Pathogenic.

Literature cited by the submitters: PubMed 16199547; PubMed 16860760; PubMed 22289921; PubMed 26056787.